The following is an entry in ClinVar:

ClinVar aggregate classification (germline): Likely pathogenic (1 of 4 stars; one submission).

Conditions:
Familial hemophagocytic lymphohistiocytosis 5. Also called: STXBP2-Related Familial Hemophagocytic Lymphohistiocytosis (STXBP2-fHLH). Identifiers: Orphanet 540, MedGen C2751293, MONDO:0013135, OMIM 613101.

Submission:

Labcorp Genetics (formerly Invitae), Labcorp
Classification: Likely pathogenic for Familial hemophagocytic lymphohistiocytosis 5. Last evaluated: 2021-12-19. Review status: criteria provided, single submitter. Criteria: Invitae Variant Classification Sherloc (09022015). Collection method: clinical testing. Allele origin: germline.
Comment: This variant disrupts a region of the STXBP2 protein in which other variant(s) (p.Leu209Pro) have been observed in individuals with STXBP2-related conditions (PMID: 19804848). This suggests that this is a clinically significant region of the protein, and that variants that disrupt it are likely to be disease-causing. In summary, the currently available evidence indicates that the variant is pathogenic, but additional data are needed to prove that conclusively. Therefore, this variant has been classified as Likely Pathogenic. This variant has not been reported in the literature in individuals affected with STXBP2-related conditions. This variant results in the deletion of exons 2-8 and part of exon 9 (c.38-303_688del) of the STXBP2 gene. It is expected to disrupt RNA splicing. Variants that disrupt the donor or acceptor splice site typically lead to a loss of protein function (PMID: 16199547), and loss-of-function variants in STXBP2 are known to be pathogenic (PMID: 19804848, 22451424).

Literature cited by the submitters: PubMed 19804848; PubMed 16199547; PubMed 22451424.

NC_000019.9:g.(?_7703306)_(7707110_?)del

Gene: STXBP2 (syntaxin binding protein 2; plus strand). Cytogenetic location: 19p13.2.
Variant type: Deletion.
Identifiers: ClinVar variation 2425674 (VCV002425674.7).